The following is an entry in ClinVar:

ClinVar aggregate classification (germline): Uncertain significance. Review status: criteria provided, multiple submitters, no conflicts (2 of 4 stars). 3 submissions from 3 submitters: Uncertain significance (3). Last evaluated 2026-01-27.

Conditions:
Age related macular degeneration 1 (ARMD1). Also called: MACULOPATHY, AGE-RELATED, 1. Identifiers: MedGen C1864205, MONDO:0011285, OMIM 603075.

Allele frequency attached by ClinVar (database versions not stated): ExAC 0.00002; gnomAD exomes 0.00002; gnomAD 0.00003; TOPMed 0.00003; 1000 Genomes Project 30x 0.00016; 1000 Genomes Project 0.00020.
gnomAD v4.1: 33 of 1,606,526 alleles (0.0021%); highest among the groups gnomAD compares: Non-Finnish European, 0.0026%; no homozygotes.

Submissions (3):

Labcorp Genetics (formerly Invitae), Labcorp
Classification: Uncertain significance. Last evaluated: 2026-01-27. Review status: criteria provided, single submitter. Criteria: Invitae Variant Classification Sherloc (09022015). Collection method: clinical testing. Allele origin: germline.
Comment: This sequence change replaces serine, which is neutral and polar, with glycine, which is neutral and non-polar, at codon 4647 of the HMCN1 protein (p.Ser4647Gly). This variant is present in population databases (rs199888050, gnomAD 0.004%). This variant has not been reported in the literature in individuals affected with HMCN1-related conditions. ClinVar contains an entry for this variant (Variation ID: 2160506). An algorithm developed to predict the effect of missense changes on protein structure and function outputs the following: PolyPhen-2: "Benign". The glycine amino acid residue is found in multiple mammalian species, which suggests that this missense change does not adversely affect protein function. In summary, the available evidence is currently insufficient to determine the role of this variant in disease. Therefore, it has been classified as a Variant of Uncertain Significance.

Genome-Nilou Lab
Classification: Uncertain significance for Age related macular degeneration 1. Last evaluated: 2023-04-11. Review status: criteria provided, single submitter. Criteria: ACMG Guidelines, 2015. Collection method: clinical testing. Allele origin: germline. Affected: no.

Ambry Genetics
Classification: Uncertain significance. Last evaluated: 2022-11-18. Review status: criteria provided, single submitter. Criteria: Ambry Variant Classification Scheme 2023. Collection method: clinical testing. Allele origin: germline.

NM_031935.3(HMCN1):c.13939A>G (p.Ser4647Gly)

Gene: HMCN1 (hemicentin 1; plus strand). Cytogenetic location: 1q31.1.
Variant type: single nucleotide variant.
Coding change: c.13939A>G on transcript NM_031935.3 (MANE Select); coding-DNA position 13939, A replaced by G.
Protein change: p.Ser4647Gly; replaces serine 4647 with glycine.
Molecular consequence: missense variant.
Genome position (GRCh38, 1-based): chr1:186,144,187, A>G. VCF-style: chr1-186144187-A-G. GRCh37 (hg19) VCF-style: chr1-186113319-A-G.
Other names: c.13939A>G (NM_031935.2); short protein forms S4647G.
Identifiers: ClinVar variation 2160506 (VCV002160506.6), dbSNP rs199888050, ClinGen allele CA1294820.